The following is an entry in ClinVar:

ClinVar aggregate classification (germline): Uncertain significance. Review status: criteria provided, multiple submitters, no conflicts (2 of 4 stars). 5 submissions from 5 submitters: Uncertain significance (5). Last evaluated 2026-07-02.

Conditions:
Nephronophthisis. Also called: Juvenile Nephronophthisis. Identifiers: Orphanet 655, MedGen C0687120, MONDO:0019005, HP:0000090.
IQCB1-related disorder. Also called: IQCB1-related condition.
Senior-Loken syndrome 5 (SLSN5). Identifiers: Orphanet 3156, MedGen C1836517, MONDO:0012225, OMIM 609254.

Allele frequency attached by ClinVar (database versions not stated): gnomAD 0.00006; ExAC 0.00010; gnomAD exomes 0.00010; 1000 Genomes Project 30x 0.00031; 1000 Genomes Project 0.00040.

Submissions (5):

PreventionGenetics, part of Exact Sciences
Classification: Uncertain significance for IQCB1-related condition. Last evaluated: 2026-07-02. Review status: criteria provided, single submitter. Criteria: ACMG Guidelines, 2015. Collection method: clinical testing. Allele origin: germline.
Comment: The IQCB1 c.1000A>C variant is predicted to result in the amino acid substitution p.Lys334Gln. To our knowledge, this variant has not been reported in the literature. This variant is reported in 0.075% of alleles in individuals of South Asian descent in gnomAD, which may be too frequent to be a primary cause of disease. Although we suspect that this variant may be benign, at this time, the clinical significance of this variant is uncertain due to the absence of conclusive functional and genetic evidence.

Labcorp Genetics (formerly Invitae), Labcorp
Classification: Uncertain significance for Nephronophthisis. Last evaluated: 2025-04-21. Review status: criteria provided, single submitter. Criteria: Invitae Variant Classification Sherloc (09022015). Collection method: clinical testing. Allele origin: germline.
Comment: This sequence change replaces lysine, which is basic and polar, with glutamine, which is neutral and polar, at codon 334 of the IQCB1 protein (p.Lys334Gln). This variant is present in population databases (rs532987681, gnomAD 0.08%). This variant has not been reported in the literature in individuals affected with IQCB1-related conditions. ClinVar contains an entry for this variant (Variation ID: 1489056). Invitae Evidence Modeling of protein sequence and biophysical properties (such as structural, functional, and spatial information, amino acid conservation, physicochemical variation, residue mobility, and thermodynamic stability) indicates that this missense variant is not expected to disrupt IQCB1 protein function with a negative predictive value of 80%. In summary, the available evidence is currently insufficient to determine the role of this variant in disease. Therefore, it has been classified as a Variant of Uncertain Significance.

Blueprint Genetics
Classification: Uncertain significance. Last evaluated: 2024-07-31. Review status: criteria provided, single submitter. Criteria: ACMG Guidelines, 2015. Collection method: clinical testing. Allele origin: germline.

Neuberg Centre For Genomic Medicine, NCGM
Classification: Uncertain significance for Senior-Loken syndrome 5. Last evaluated: 2023-07-22. Review status: criteria provided, single submitter. Criteria: ACMG Guidelines, 2015. Collection method: clinical testing. Allele origin: germline. Inheritance: Autosomal recessive inheritance. Affected: yes.
Comment: The observed missense c.1000A>C p.Lys334Gln variant in IQCB1 gene has been reported previously in an individual affected with anterior segment dysgeneses Cheong et al., 2016. The p.Lys334Gln variant is present with allele frequency of 0.01% in gnomAD Exomes. This variant has been submitted to the ClinVar database as Uncertain Significance. Computational evidence Polyphen - Probably Damaging, SIFT - Tolerated and MutationTaster - Disease causing predicts conflicting evidence on protein structure and function for this variant. The reference amino acid of p.Lys334Gln in IQCB1 is predicted as conserved by GERP++ and PhyloP across 100 vertebrates. The amino acid Lys at position 334 is changed to a Gln changing protein sequence and it might alter its composition and physico-chemical properties. For these reasons, this variant has been classified as a Variant of Uncertain Significance VUS. In absence of another reportable variant in IQCB1 gene, the molecular diagnosis is not confirmed.

Fulgent Genetics
Classification: Uncertain significance for Senior-Loken syndrome 5. Last evaluated: 2022-04-24. Review status: criteria provided, single submitter. Criteria: ACMG Guidelines, 2015. Collection method: clinical testing. Allele origin: unknown.

NM_001023570.4(IQCB1):c.1000A>C (p.Lys334Gln)

Gene: IQCB1 (IQ motif containing B1; minus strand). Cytogenetic location: 3q13.33.
Variant type: single nucleotide variant.
Coding change: c.1000A>C on transcript NM_001023570.4 (MANE Select); coding-DNA position 1000, A replaced by C.
Protein change: p.Lys334Gln; replaces lysine 334 with glutamine.
Molecular consequence: missense variant. On other transcripts: non-coding transcript variant (1).
Genome position (GRCh38, 1-based): chr3:121,790,202, T>G on the plus strand (A>C on the coding strand, the complement: IQCB1 is on the minus strand). VCF-style: chr3-121790202-T-G. GRCh37 (hg19) VCF-style: chr3-121509049-T-G.
Other names: c.1000A>C (NM_001023570.3); c.601A>C, p.Lys201Gln (NM_001023571.4); c.1000A>C, p.Lys334Gln (NM_001319107.2); short protein forms K201Q, K334Q.
Identifiers: ClinVar variation 1489056 (VCV001489056.8), dbSNP rs532987681, ClinGen allele CA2567220.